The following is an entry in ClinVar:

NM_000138.5(FBN1):c.7976G>A (p.Cys2659Tyr)

Gene: FBN1 (fibrillin 1; minus strand). Cytogenetic location: 15q21.1.
Variant type: single nucleotide variant.
Coding change: c.7976G>A on transcript NM_000138.5 (MANE Select); coding-DNA position 7976, G replaced by A.
Protein change: p.Cys2659Tyr; replaces cysteine 2659 with tyrosine.
Molecular consequence: missense variant.
Genome position (GRCh38, 1-based): chr15:48,415,611, C>T on the plus strand (G>A on the coding strand, the complement: FBN1 is on the minus strand). VCF-style: chr15-48415611-C-T. GRCh37 (hg19) VCF-style: chr15-48707808-C-T.
Other names: c.7976G>A, p.Cys2659Tyr (NM_001406716.1); short protein forms C2659Y.
Identifiers: ClinVar variation 4791951 (VCV004791951.1).

ClinVar aggregate classification (germline): Pathogenic (1 of 4 stars; one submission).

Conditions:
Marfan syndrome (MFS). Also called: FBN1-Related Marfan Syndrome; MARFAN SYNDROME, TYPE I; Marfan syndrome type 1; Marfan's syndrome; Marfan syndrome, classic. Identifiers: Orphanet 284963, Orphanet 558, MedGen C0024796, MONDO:0007947, OMIM 154700.
Familial thoracic aortic aneurysm and aortic dissection (TAAD). Also called: Thoracic aortic aneurysms and dissections. Identifiers: Orphanet 91387, MedGen C4707243, MONDO:0019625.

gnomAD v4.1: 1 of 1,614,236 alleles (0.000062%); highest among the groups gnomAD compares: Non-Finnish European, 0.000085%; no homozygotes.

Submission:

Labcorp Genetics (formerly Invitae), Labcorp
Classification: Pathogenic for Marfan syndrome; Familial thoracic aortic aneurysm and aortic dissection. Last evaluated: 2025-02-18. Review status: criteria provided, single submitter. Criteria: Invitae Variant Classification Sherloc (09022015). Collection method: clinical testing. Allele origin: germline.
Comment: This sequence change replaces cysteine, which is neutral and slightly polar, with tyrosine, which is neutral and polar, at codon 2659 of the FBN1 protein (p.Cys2659Tyr). This variant is present in population databases (rs759908796, gnomAD 0.0009%). This missense change has been observed in individuals with Marfan syndrome (32679894 and internal data). Invitae Evidence Modeling of protein sequence and biophysical properties (such as structural, functional, and spatial information, amino acid conservation, physicochemical variation, residue mobility, and thermodynamic stability) indicates that this missense variant is expected to disrupt FBN1 protein function with a positive predictive value of 95%. This variant affects a cysteine residue in the EGF-like, TGFBP or hybrid motif domains of FBN1. Cysteine residues are believed to be involved in intramolecular disulfide bridges and have been shown to be important for FBN1 protein structure (PMID: 16905551, 19349279). In addition, missense substitutions affecting cysteine residues within these domains are significantly overrepresented among patients with Marfan syndrome (PMID: 16571647, 17701892). This variant disrupts the p.Cys2659 amino acid residue in FBN1. Other variant(s) that disrupt this residue have been observed in individuals with FBN1-related conditions (PMID: 26787436, 32679894; internal data), which suggests that this may be a clinically significant amino acid residue. For these reasons, this variant has been classified as Pathogenic.

Literature cited by the submitters: PubMed 16905551; PubMed 19349279; PubMed 16571647; PubMed 17701892; PubMed 26787436; PubMed 32679894.